The following is an entry in ClinVar:

NM_194454.3(KRIT1):c.-2-12T>C

Gene: KRIT1 (KRIT1 ankyrin repeat containing; minus strand). Cytogenetic location: 7q21.2.
Variant type: single nucleotide variant.
Coding change: c.-2-12T>C on transcript NM_194454.3 (MANE Select); 12 bases into the intron before 2 bases upstream of the start codon, T replaced by C.
Molecular consequence: intron variant.
Genome position (GRCh38, 1-based): chr7:92,242,149, A>G on the plus strand (T>C on the coding strand, the complement: KRIT1 is on the minus strand). VCF-style: chr7-92242149-A-G. GRCh37 (hg19) VCF-style: chr7-91871463-A-G.
Other names: c.-2-12T>C (NM_001350672.1, NM_001350676.1, NM_001350673.1 and 29 more transcripts); c.-585-12T>C (NM_001350671.1).
Identifiers: ClinVar variation 3768645 (VCV003768645.1).
Genomic context (GRCh38, chr7:92,242,149, plus strand): 5'-CGAATAACAGCAACATATGCATCTTCTATGTTTTCTGGATTTCCCATTGCTTTACAAAAC[A>G]AATAAAAAAATCCTTTGAAAGATTAAATGACACATTTGATGGCAAGATAAAAAAAAGTAA-3'

ClinVar aggregate classification (germline): Uncertain significance (1 of 4 stars; one submission).

Submission:

Women's Health and Genetics/Laboratory Corporation of America, LabCorp
Classification: Uncertain significance. Last evaluated: 2025-02-10. Review status: criteria provided, single submitter. Criteria: LabCorp Variant Classification Summary - May 2015. Collection method: clinical testing. Allele origin: germline.
Comment: Variant summary: KRIT1 c.-2-12T>C is located in the untranslated mRNA region upstream of the initiation codon. Consensus agreement among computation tools predict no significant impact on normal splicing. However, these predictions have yet to be confirmed by functional studies. The variant was absent in 249912 control chromosomes. The available data on variant occurrences in the general population are insufficient to allow any conclusion about variant significance. To our knowledge, no occurrence of c.-2-12T>C in individuals affected with KRIT1-Related Disorders and no experimental evidence demonstrating its impact on protein function have been reported. No submitters have cited clinical-significance assessments for this variant to ClinVar. Based on the evidence outlined above, the variant was classified as uncertain significance.